The following is an entry in ClinVar:

ClinVar aggregate classification (germline): Likely benign. Review status: criteria provided, multiple submitters, no conflicts (2 of 4 stars). 3 submissions from 3 submitters: Likely benign (2). 1 of the submissions does not count toward it. Last evaluated 2025-10-28.

Conditions:
AGRN-related disorder. Also called: AGRN-related condition.
Congenital myasthenic syndrome 8. Also called: MYASTHENIC SYNDROME, CONGENITAL, DUE TO AGRIN DEFICIENCY; Myasthenic syndrome, congenital, 8, with pre- and postsynaptic defects. Identifiers: Orphanet 590, MedGen C3808739, MONDO:0014052, OMIM 615120.

Allele frequency attached by ClinVar (database versions not stated): gnomAD exomes 0.00002 and 0.00005; TOPMed 0.00002; gnomAD 0.00003 and 0.00005; ExAC 0.00006; 1000 Genomes Project 0.00040; 1000 Genomes Project 30x 0.00047.
gnomAD v4.1: 29 of 1,609,688 alleles (0.0018%); highest among the groups gnomAD compares: South Asian, 0.014%; no homozygotes.

Submissions (3):

Labcorp Genetics (formerly Invitae), Labcorp
Classification: Likely benign for Congenital myasthenic syndrome 8. Last evaluated: 2025-10-28. Review status: criteria provided, single submitter. Criteria: Invitae Variant Classification Sherloc (09022015). Collection method: clinical testing. Allele origin: germline.

Blueprint Genetics
Classification: Likely benign. Last evaluated: 2024-08-07. Review status: criteria provided, single submitter. Criteria: ACMG Guidelines, 2015. Collection method: clinical testing. Allele origin: germline.

PreventionGenetics, part of Exact Sciences
Classification: Likely benign for AGRN-related condition. Last evaluated: 2023-05-22. Review status: no assertion criteria provided. Collection method: clinical testing. Allele origin: germline. Not counted in ClinVar's aggregate classification.
Comment: This variant is classified as likely benign based on ACMG/AMP sequence variant interpretation guidelines (Richards et al. 2015 PMID: 25741868, with internal and published modifications).

NM_198576.4(AGRN):c.1518C>T (p.Gly506=)

Gene: AGRN (agrin; plus strand). Cytogenetic location: 1p36.33.
Variant type: single nucleotide variant.
Coding change: c.1518C>T on transcript NM_198576.4 (MANE Select); coding-DNA position 1518, C replaced by T.
Protein change: p.Gly506=; no amino-acid change (glycine 506 retained).
Molecular consequence: synonymous variant.
Genome position (GRCh38, 1-based): chr1:1,043,372, C>T. VCF-style: chr1-1043372-C-T. GRCh37 (hg19) VCF-style: chr1-978752-C-T.
Other names: c.1518C>T, p.Gly506= (NM_001305275.2); c.1203C>T, p.Gly401= (NM_001364727.2).
Identifiers: ClinVar variation 713556 (VCV000713556.11), dbSNP rs139594136, ClinGen allele CA508210.